The following is an entry in ClinVar:

NM_001605.3(AARS1):c.982C>A (p.Leu328Ile)

Gene: AARS1 (alanyl-tRNA synthetase 1; minus strand). Cytogenetic location: 16q22.1.
Variant type: single nucleotide variant.
Coding change: c.982C>A on transcript NM_001605.3 (MANE Select); coding-DNA position 982, C replaced by A.
Protein change: p.Leu328Ile; replaces leucine 328 with isoleucine.
Molecular consequence: missense variant.
Genome position (GRCh38, 1-based): chr16:70,268,360, G>T on the plus strand (C>A on the coding strand, the complement: AARS1 is on the minus strand). VCF-style: chr16-70268360-G-T. GRCh37 (hg19) VCF-style: chr16-70302263-G-T.
Other names: short protein forms L328I.
Identifiers: ClinVar variation 2133682 (VCV002133682.5), dbSNP rs2507014107, ClinGen allele CA396564259.

ClinVar aggregate classification (germline): Uncertain significance. Review status: criteria provided, multiple submitters, no conflicts (2 of 4 stars). 2 submissions from 2 submitters: Uncertain significance (2). Last evaluated 2023-10-26.

Conditions:
Charcot-Marie-Tooth disease type 2. Also called: Charcot-Marie-Tooth type 2. Identifiers: Orphanet 64746, MedGen C0270914, MONDO:0018993.
Inborn genetic diseases. Identifiers: MedGen C0950123, MeSH D030342.

Allele frequency attached by ClinVar (database versions not stated): gnomAD exomes below 0.00001.
gnomAD v4.1: 1 of 1,614,128 alleles (0.000062%); highest among the groups gnomAD compares: Non-Finnish European, 0.000085%; no homozygotes.

Submissions (2):

Ambry Genetics
Classification: Uncertain significance for Inborn genetic diseases. Last evaluated: 2023-10-26. Review status: criteria provided, single submitter. Criteria: Ambry Variant Classification Scheme 2023. Collection method: clinical testing. Allele origin: germline.

Labcorp Genetics (formerly Invitae), Labcorp
Classification: Uncertain significance for Charcot-Marie-Tooth disease type 2. Last evaluated: 2022-06-13. Review status: criteria provided, single submitter. Criteria: Invitae Variant Classification Sherloc (09022015). Collection method: clinical testing. Allele origin: germline.
Comment: In summary, the available evidence is currently insufficient to determine the role of this variant in disease. Therefore, it has been classified as a Variant of Uncertain Significance. Algorithms developed to predict the effect of missense changes on protein structure and function are either unavailable or do not agree on the potential impact of this missense change (SIFT: "Deleterious"; PolyPhen-2: "Probably Damaging"; Align-GVGD: "Class C0"). This variant has not been reported in the literature in individuals affected with AARS-related conditions. This variant is not present in population databases (gnomAD no frequency). This sequence change replaces leucine, which is neutral and non-polar, with isoleucine, which is neutral and non-polar, at codon 328 of the AARS protein (p.Leu328Ile).